The following is an entry in ClinVar:

ClinVar aggregate classification (germline): Uncertain significance (1 of 4 stars; one submission).

Conditions:
Early Myoclonic Encephalopathy. Identifiers: MedGen C0270855.

Allele frequency attached by ClinVar (database versions not stated): gnomAD exomes below 0.00001.
gnomAD v4.1: 2 of 1,613,356 alleles (0.00012%); highest among the groups gnomAD compares: Middle Eastern, 0.033%; no homozygotes.

Submission:

Labcorp Genetics (formerly Invitae), Labcorp
Classification: Uncertain significance for Early Myoclonic Encephalopathy. Last evaluated: 2022-06-20. Review status: criteria provided, single submitter. Criteria: Invitae Variant Classification Sherloc (09022015). Collection method: clinical testing. Allele origin: germline.
Comment: In summary, the available evidence is currently insufficient to determine the role of this variant in disease. Therefore, it has been classified as a Variant of Uncertain Significance. Advanced modeling of protein sequence and biophysical properties (such as structural, functional, and spatial information, amino acid conservation, physicochemical variation, residue mobility, and thermodynamic stability) performed at Invitae indicates that this missense variant is not expected to disrupt KCND2 protein function. This variant has not been reported in the literature in individuals affected with KCND2-related conditions. This variant is present in population databases (no rsID available, gnomAD 0.0009%). This sequence change replaces proline, which is neutral and non-polar, with threonine, which is neutral and polar, at codon 568 of the KCND2 protein (p.Pro568Thr).

NM_012281.3(KCND2):c.1702C>A (p.Pro568Thr)

Gene: KCND2 (potassium voltage-gated channel subfamily D member 2; plus strand). Cytogenetic location: 7q31.31.
Variant type: single nucleotide variant.
Coding change: c.1702C>A on transcript NM_012281.3 (MANE Select); coding-DNA position 1702, C replaced by A.
Protein change: p.Pro568Thr; replaces proline 568 with threonine.
Molecular consequence: missense variant.
Genome position (GRCh38, 1-based): chr7:120,746,014, C>A. VCF-style: chr7-120746014-C-A. GRCh37 (hg19) VCF-style: chr7-120386068-C-A.
Other names: short protein forms P568T.
Identifiers: ClinVar variation 1495267 (VCV001495267.8), dbSNP rs1415521718, ClinGen allele CA369136094.